The following is an entry in ClinVar:

ClinVar aggregate classification (germline): Uncertain significance. Review status: criteria provided, multiple submitters, no conflicts (2 of 4 stars). 3 submissions from 3 submitters: Uncertain significance (2). 1 of the submissions does not count toward it. Last evaluated 2024-09-11.

Conditions:
Achromatopsia. Also called: Rod monochromatism. Identifiers: Orphanet 49382, MedGen C0152200, MONDO:0018852, HP:0011516.

Allele frequency attached by ClinVar (database versions not stated): gnomAD 0.00003; TOPMed 0.00005; gnomAD exomes 0.00007 and 0.00009; ExAC 0.00008; ESP Exome Variant Server 0.00008.
gnomAD v4.1: 135 of 1,614,034 alleles (0.0084%); highest among the groups gnomAD compares: Non-Finnish European, 0.011%; no homozygotes.

Submissions (3):

Blueprint Genetics
Classification: Uncertain significance. Last evaluated: 2024-09-11. Review status: criteria provided, single submitter. Criteria: ACMG Guidelines, 2015. Collection method: clinical testing. Allele origin: germline.

Labcorp Genetics (formerly Invitae), Labcorp
Classification: Uncertain significance. Last evaluated: 2022-07-15. Review status: criteria provided, single submitter. Criteria: Invitae Variant Classification Sherloc (09022015). Collection method: clinical testing. Allele origin: germline.
Comment: This sequence change replaces alanine, which is neutral and non-polar, with valine, which is neutral and non-polar, at codon 610 of the CNGB3 protein (p.Ala610Val). This variant is present in population databases (rs201093395, gnomAD 0.01%). This variant has not been reported in the literature in individuals affected with CNGB3-related conditions. ClinVar contains an entry for this variant (Variation ID: 972227). Algorithms developed to predict the effect of missense changes on protein structure and function (SIFT, PolyPhen-2, Align-GVGD) all suggest that this variant is likely to be disruptive. In summary, the available evidence is currently insufficient to determine the role of this variant in disease. Therefore, it has been classified as a Variant of Uncertain Significance.

Natera, Inc.
Classification: Uncertain significance for Achromatopsia. Last evaluated: 2020-09-17. Review status: no assertion criteria provided. Collection method: clinical testing. Allele origin: germline. Not counted in ClinVar's aggregate classification.

NM_019098.5(CNGB3):c.1829C>T (p.Ala610Val)

Gene: CNGB3 (cyclic nucleotide gated channel subunit beta 3; minus strand). Cytogenetic location: 8q21.3.
Variant type: single nucleotide variant.
Coding change: c.1829C>T on transcript NM_019098.5 (MANE Select); coding-DNA position 1829, C replaced by T.
Protein change: p.Ala610Val; replaces alanine 610 with valine.
Molecular consequence: missense variant.
Genome position (GRCh38, 1-based): chr8:86,579,205, G>A on the plus strand (C>T on the coding strand, the complement: CNGB3 is on the minus strand). VCF-style: chr8-86579205-G-A. GRCh37 (hg19) VCF-style: chr8-87591433-G-A.
Other names: short protein forms A610V.
Identifiers: ClinVar variation 972227 (VCV000972227.5), dbSNP rs201093395, ClinGen allele CA4799885.